The following is an entry in ClinVar:

NM_004247.4(EFTUD2):c.994+6C>T

Gene: EFTUD2 (elongation factor Tu GTP binding domain containing 2; minus strand). Cytogenetic location: 17q21.31.
Variant type: single nucleotide variant.
Coding change: c.994+6C>T on transcript NM_004247.4 (MANE Select); 6 bases into the intron after coding-DNA position 994, C replaced by T.
Molecular consequence: intron variant.
Genome position (GRCh38, 1-based): chr17:44,872,440, G>A on the plus strand (C>T on the coding strand, the complement: EFTUD2 is on the minus strand). VCF-style: chr17-44872440-G-A. GRCh37 (hg19) VCF-style: chr17-42949808-G-A.
Other names: c.889+6C>T (NM_001142605.2); c.964+6C>T (NM_001258354.2); c.994+6C>T (NM_001258353.2).
Identifiers: ClinVar variation 128974 (VCV000128974.21), dbSNP rs11654183, ClinGen allele CA152697.
Genomic context (GRCh38, chr17:44,872,440, plus strand): 5'-ATTCAGCAGGAAAGGCACACAGGACTCAGGGGAAGCTGGTGAGACAGACTGCCAGCCAGC[G>A]CTTACCAAAGGTGTCGGCATAGATCTTGGCAAAGGAGCCCAGCGTGAAGCAGATGCTGTA-3'

ClinVar aggregate classification (germline): Benign. Review status: criteria provided, multiple submitters, no conflicts (2 of 4 stars). 9 submissions from 9 submitters: Benign (6). 3 of the submissions do not count toward it. Last evaluated 2026-02-03.

Conditions:
Mandibulofacial dysostosis-microcephaly syndrome (MFDGA). Also called: Growth and mental retardation, mandibulofacial dysostosis, microcephaly, and cleft palate; Mandibulofacial dysostosis, Guion-Almeida type. Identifiers: Orphanet 79113, MedGen C1864652, MONDO:0012516, OMIM 610536.

Allele frequency attached by ClinVar (database versions not stated): 1000 Genomes Project 30x 0.24079; 1000 Genomes Project 0.24261; TOPMed 0.25296; gnomAD 0.26232 and 0.26275; ESP Exome Variant Server 0.26480; ExAC 0.26731; gnomAD exomes 0.26819 and 0.27382.
gnomAD v4.1: 438,654 of 1,610,700 alleles (27%); highest among the groups gnomAD compares: South Asian, 28%; 60,129 homozygotes.

Submissions (9):

Labcorp Genetics (formerly Invitae), Labcorp
Classification: Benign. Last evaluated: 2026-02-03. Review status: criteria provided, single submitter. Criteria: Invitae Variant Classification Sherloc (09022015). Collection method: clinical testing. Allele origin: germline.

Blueprint Genetics
Classification: Benign. Last evaluated: 2024-11-28. Review status: criteria provided, single submitter. Criteria: ACMG Guidelines, 2015. Collection method: clinical testing. Allele origin: germline.

Genome-Nilou Lab
Classification: Benign for Mandibulofacial dysostosis-microcephaly syndrome. Last evaluated: 2021-07-30. Review status: criteria provided, single submitter. Criteria: ACMG Guidelines, 2015. Collection method: clinical testing. Allele origin: germline. Affected: no.

GeneDx
Classification: Benign. Last evaluated: 2018-07-20. Review status: criteria provided, single submitter. Criteria: GeneDx Variant Classification Process June 2021. Collection method: clinical testing. Allele origin: germline. Affected: yes.

Breakthrough Genomics
Classification: Benign. Review status: criteria provided, single submitter. Criteria: ACMG Guidelines, 2015. Collection method: not provided. Allele origin: germline. Inheritance: Autosomal dominant inheritance. Affected: yes.

PreventionGenetics, part of Exact Sciences
Classification: Benign. Review status: criteria provided, single submitter. Criteria: ACMG Guidelines, 2015. Collection method: clinical testing. Allele origin: germline.

Clinical Genetics DNA and cytogenetics Diagnostics Lab, Erasmus MC, Erasmus Medical Center
Classification: Benign. Review status: no assertion criteria provided. Collection method: clinical testing. Allele origin: germline. Affected: yes. Study: VKGL Data-share Consensus. Not counted in ClinVar's aggregate classification.

Diagnostic Laboratory, Department of Genetics, University Medical Center Groningen
Classification: Benign for Mandibulofacial dysostosis-microcephaly syndrome. Review status: no assertion criteria provided. Collection method: clinical testing. Allele origin: germline. Affected: yes. Study: VKGL Data-share Consensus. Not counted in ClinVar's aggregate classification.

Genetic Services Laboratory, University of Chicago
Classification: Likely benign for AllHighlyPenetrant. Review status: no assertion criteria provided. Collection method: clinical testing. Allele origin: germline. Inheritance: Autosomal dominant inheritance. Not counted in ClinVar's aggregate classification.
Comment: Likely benign based on allele frequency in 1000 Genomes Project or ESP global frequency and its presence in a patient with a rare or unrelated disease phenotype. NOT Sanger confirmed.